The following is an entry in ClinVar:

ClinVar aggregate classification (germline): Benign. Review status: criteria provided, multiple submitters, no conflicts (2 of 4 stars). 2 submissions from 2 submitters: Benign (2). Last evaluated 2018-01-13.

Conditions:
Noonan syndrome 6 (NS6). Also called: NRAS-Related Noonan Syndrome. Identifiers: Orphanet 648, MedGen C2750732, MONDO:0013186, OMIM 613224.

Allele frequency attached by ClinVar (database versions not stated): 1000 Genomes Project 30x 0.00968; 1000 Genomes Project 0.01078; TOPMed 0.02065; gnomAD 0.02563 and 0.02701.

Submissions (2):

Illumina Laboratory Services, Illumina
Classification: Benign for Noonan syndrome 6. Last evaluated: 2018-01-13. Review status: criteria provided, single submitter. Criteria: ICSL Variant Classification Criteria 13 December 2019. Collection method: clinical testing. Allele origin: germline.
Comment: This variant was observed in the ICSL laboratory as part of a predisposition screen in an ostensibly healthy population. It had not been previously curated by ICSL or reported in the Human Gene Mutation Database (HGMD: prior to June 1st, 2018), and was therefore a candidate for classification through an automated scoring system. Utilizing variant allele frequency, disease prevalence and penetrance estimates, and inheritance mode, an automated score was calculated to assess if this variant is too frequent to cause the disease. Based on the score and internal cut-off values, a variant classified as benign is not then subjected to further curation. The score for this variant resulted in a classification of benign for this disease.

Breakthrough Genomics
Classification: Benign. Review status: criteria provided, single submitter. Criteria: ACMG Guidelines, 2015. Collection method: not provided. Allele origin: germline. Inheritance: Autosomal dominant inheritance. Affected: yes.

NM_002524.5(NRAS):c.*2662G>A

Gene: NRAS (NRAS proto-oncogene, GTPase; minus strand). Cytogenetic location: 1p13.2.
Variant type: single nucleotide variant.
Coding change: c.*2662G>A on transcript NM_002524.5 (MANE Select); 2662 bases downstream of the stop codon, G replaced by A.
Molecular consequence: 3 prime UTR variant.
Genome position (GRCh38, 1-based): chr1:114,705,432, C>T on the plus strand (G>A on the coding strand, the complement: NRAS is on the minus strand). VCF-style: chr1-114705432-C-T. GRCh37 (hg19) VCF-style: chr1-115248053-C-T.
Identifiers: ClinVar variation 291954 (VCV000291954.6), dbSNP rs148827219, ClinGen allele CA10607367.